The following is an entry in ClinVar:

ClinVar aggregate classification (germline): Conflicting classifications of pathogenicity. Review status: criteria provided, conflicting classifications (1 of 4 stars). 4 submissions from 4 submitters: Uncertain significance (3); Likely benign (1). Last evaluated 2024-07-29.

Conditions:
Microcephaly, normal intelligence and immunodeficiency (NBS). Also called: BERLIN BREAKAGE SYNDROME; Ataxia telangiectasia variant V1; IMMUNODEFICIENCY, MICROCEPHALY, AND CHROMOSOMAL INSTABILITY; SEEMANOVA SYNDROME II; Immunodeficiency, microcephaly with normal intelligence; Nijmegen breakage syndrome. Identifiers: Orphanet 647, MedGen C0398791, MONDO:0009623, OMIM 251260.
Hereditary cancer-predisposing syndrome. Also called: Tumor predisposition; Neoplastic Syndromes, Hereditary; Hereditary Cancer Syndrome; Hereditary neoplastic syndrome. Identifiers: Orphanet 140162, MedGen C0027672, MeSH D009386, MONDO:0015356.

Allele frequency attached by ClinVar (database versions not stated): TOPMed below 0.00001; gnomAD 0.00001.
gnomAD v4.1: 4 of 1,612,576 alleles (0.00025%); highest among the groups gnomAD compares: Non-Finnish European, 0.00034%; no homozygotes.

Submissions (4):

GeneDx
Classification: Uncertain significance. Last evaluated: 2024-07-29. Review status: criteria provided, single submitter. Criteria: GeneDx Variant Classification Process June 2021. Collection method: clinical testing. Allele origin: germline. Affected: yes.
Comment: Not observed at significant frequency in large population cohorts (gnomAD); In silico analysis indicates that this missense variant does not alter protein structure/function; Has not been previously published as pathogenic or benign to our knowledge; This variant is associated with the following publications: (PMID: 24894818)

Labcorp Genetics (formerly Invitae), Labcorp
Classification: Uncertain significance for Microcephaly, normal intelligence and immunodeficiency. Last evaluated: 2024-03-06. Review status: criteria provided, single submitter. Criteria: Invitae Variant Classification Sherloc (09022015). Collection method: clinical testing. Allele origin: germline.
Comment: This sequence change replaces asparagine, which is neutral and polar, with serine, which is neutral and polar, at codon 231 of the NBN protein (p.Asn231Ser). This variant is not present in population databases (gnomAD no frequency). This variant has not been reported in the literature in individuals affected with NBN-related conditions. ClinVar contains an entry for this variant (Variation ID: 628716). Algorithms developed to predict the effect of missense changes on protein structure and function output the following: SIFT: "Not Available"; PolyPhen-2: "Benign"; Align-GVGD: "Not Available". The serine amino acid residue is found in multiple mammalian species, which suggests that this missense change does not adversely affect protein function. In summary, the available evidence is currently insufficient to determine the role of this variant in disease. Therefore, it has been classified as a Variant of Uncertain Significance.

Genome-Nilou Lab
Classification: Uncertain significance for Microcephaly, normal intelligence and immunodeficiency. Last evaluated: 2021-11-07. Review status: criteria provided, single submitter. Criteria: ACMG Guidelines, 2015. Collection method: clinical testing. Allele origin: germline. Affected: no.

Ambry Genetics
Classification: Likely benign for Hereditary cancer-predisposing syndrome. Last evaluated: 2019-01-10. Review status: criteria provided, single submitter. Criteria: Ambry Variant Classification Scheme 2023. Collection method: clinical testing. Allele origin: germline.

NM_002485.5(NBN):c.692A>G (p.Asn231Ser)

Gene: NBN (nibrin; minus strand). Cytogenetic location: 8q21.3.
Variant type: single nucleotide variant.
Coding change: c.692A>G on transcript NM_002485.5 (MANE Select); coding-DNA position 692, A replaced by G.
Protein change: p.Asn231Ser; replaces asparagine 231 with serine.
Molecular consequence: missense variant.
Genome position (GRCh38, 1-based): chr8:89,971,183, T>C on the plus strand (A>G on the coding strand, the complement: NBN is on the minus strand). VCF-style: chr8-89971183-T-C. GRCh37 (hg19) VCF-style: chr8-90983411-T-C.
Other names: c.446A>G, p.Asn149Ser (NM_001024688.3); short protein forms N231S, N149S.
Identifiers: ClinVar variation 628716 (VCV000628716.35), dbSNP rs1309274168, ClinGen allele CA371658940.